The following is an entry in ClinVar:

ClinVar aggregate classification (germline): Likely benign (0 of 4 stars; one submission).

Conditions:
PRX-related disorder. Also called: PRX-related condition; PRX-Related Disorders.

Allele frequency attached by ClinVar (database versions not stated): TOPMed 0.00012; 1000 Genomes Project 0.00020; 1000 Genomes Project 30x 0.00031.
gnomAD v4.1: 20 of 296,390 alleles (0.0067%); highest among the groups gnomAD compares: African/African-American, 0.038%; no homozygotes.

Submission:

PreventionGenetics, part of Exact Sciences
Classification: Likely benign for PRX-related condition. Last evaluated: 2022-05-06. Review status: no assertion criteria provided. Collection method: clinical testing. Allele origin: germline.
Comment: This variant is classified as likely benign based on ACMG/AMP sequence variant interpretation guidelines (Richards et al. 2015 PMID: 25741868, with internal and published modifications).

NM_181882.3(PRX):c.-237C>T

Gene: PRX (periaxin; minus strand). Cytogenetic location: 19q13.2.
Variant type: single nucleotide variant.
Coding change: c.-237C>T on transcript NM_181882.3 (MANE Select); 237 bases upstream of the start codon, C replaced by T.
Molecular consequence: 5 prime UTR variant. On other transcripts: missense variant (1).
Genome position (GRCh38, 1-based): chr19:40,408,378, G>A on the plus strand (C>T on the coding strand, the complement: PRX is on the minus strand). VCF-style: chr19-40408378-G-A. GRCh37 (hg19) VCF-style: chr19-40914285-G-A.
Other names: c.49C>T, p.Arg17Trp (NM_001411127.1); c.-237C>T (NM_020956.2); short protein forms R17W.
Identifiers: ClinVar variation 3043317 (VCV003043317.2), dbSNP rs570459947, ClinGen allele CA308429910.